The following is an entry in ClinVar:

ClinVar aggregate classification (germline): Pathogenic (1 of 4 stars; one submission).

Conditions:
Tubulinopathy. Also called: Tubulinopathies. Identifiers: MedGen CN850169, MONDO:0100153.

Submission:

Institute of Human Genetics, FAU Erlangen, Friedrich-Alexander-Universität Erlangen-Nürnberg
Classification: Pathogenic for Tubulinopathies. Last evaluated: 2018-07-01. Review status: criteria provided, single submitter. Criteria: ACMG Guidelines, 2015. Collection method: literature only. Allele origin: de novo. Affected: yes. Observed: 1 variant allele.
Comment: The c.481T>C, p.(Tyr161His) variant has been reported as a variant of de novo origin. This variant and associated phenotype was previously reported by Poirier et al. Eur J Hum Genetics, 2013 PMID: 22948023. HPO-standardized clinical features were: Hypoplasia of the corpus callosum (HP:0002079); Perisylvian polymicrogyria (HP:0012650); Dysgenesis of the cerebellar vermis (HP:0002195); Microcephaly (HP:0000252); Muscular hypotonia (HP:0001252); Generalized tonic-clonic seizures, Infantile spasms (HP:0002069, HP:0012469)

Literature cited by the submitters: PubMed 30744660; DOI 10.1101/427948.

NM_006009.4(TUBA1A):c.481T>C (p.Tyr161His)

Gene: TUBA1A (tubulin alpha 1a; minus strand). Cytogenetic location: 12q13.12.
Variant type: single nucleotide variant.
Coding change: c.481T>C on transcript NM_006009.4 (MANE Select); coding-DNA position 481, T replaced by C.
Protein change: p.Tyr161His; replaces tyrosine 161 with histidine.
Molecular consequence: missense variant.
Genome position (GRCh38, 1-based): chr12:49,185,885, A>G on the plus strand (T>C on the coding strand, the complement: TUBA1A is on the minus strand). VCF-style: chr12-49185885-A-G. GRCh37 (hg19) VCF-style: chr12-49579668-A-G.
Other names: c.481T>C, p.Tyr161His (NM_001270399.2); c.376T>C, p.Tyr126His (NM_001270400.2); short protein forms Y161H, Y126H.
Identifiers: ClinVar variation 625477 (VCV000625477.2), dbSNP rs587784488, ClinGen allele CA384642308.
Genomic context (GRCh38, chr12:49,185,885, plus strand): 5'-CAGCTGTGGAAACCTGGGGCGCCGGGTAAATAGAGAACTCCAGCTTGGACTTCTTGCCAT[A>G]ATCAACTGAGAGACGTTCCATGAGCAGCGAGGTGAACCCAGAACCAGTTCCCCCACCAAA-3'
Protein context (NP_006000.2, residues 151-171): SLLMERLSVD[Tyr161His]GKKSKLEFSI